The following is an entry in ClinVar:

ClinVar aggregate classification (germline): Pathogenic (1 of 4 stars; one submission).

Conditions:
Autosomal recessive severe congenital neutropenia due to CSF3R deficiency. Also called: Neutropenia, severe congenital, 7, autosomal recessive. Identifiers: Orphanet 420702, MedGen C4310764, MONDO:0014865, OMIM 617014.

Submission:

Labcorp Genetics (formerly Invitae), Labcorp
Classification: Pathogenic for Autosomal recessive severe congenital neutropenia due to CSF3R deficiency. Last evaluated: 2018-09-20. Review status: criteria provided, single submitter. Criteria: Invitae Variant Classification Sherloc (09022015). Collection method: clinical testing. Allele origin: germline.
Comment: For these reasons, this variant has been classified as Pathogenic. This variant is not present in population databases (ExAC no frequency). This variant has not been reported in the literature in individuals with CSF3R-related disease. Loss-of-function variants in CSF3R are known to be pathogenic (PMID: 24753537, 26324699). This sequence change creates a premature translational stop signal (p.Trp312*) in the CSF3R gene. It is expected to result in an absent or disrupted protein product.

Literature cited by the submitters: PubMed 24753537; PubMed 26324699.

NM_000760.4(CSF3R):c.935_963del (p.Arg311_Trp312insTer)

Gene: CSF3R (colony stimulating factor 3 receptor; minus strand). Cytogenetic location: 1p34.3.
Variant type: Deletion.
Coding change: c.935_963del on transcript NM_000760.4 (MANE Select); coding-DNA positions 935 to 963, 29 bases deleted (GGCCCCTGCCTGGCCACTGGAGCGACTGG).
Protein change: p.Arg311_Trp312insTer.
Molecular consequence: nonsense.
Genome position (GRCh38, 1-based): chr1:36,472,272-36,472,300, CCAGTCGCTCCAGTGGCCAGGCAGGGGCC deleted on the plus strand (GGCCCCTGCCTGGCCACTGGAGCGACTGG on the coding strand, the reverse complement: CSF3R is on the minus strand). VCF-style (leftmost placement, unchanged base first): chr1-36472271-TCCAGTCGCTCCAGTGGCCAGGCAGGGGCC-T. GRCh37 (hg19) VCF-style: chr1-36937872-TCCAGTCGCTCCAGTGGCCAGGCAGGGGCC-T.
Other names: c.935_963del, p.Arg311_Trp312insTer (LRG_144t1, NM_156039.3, NM_172313.3).
Identifiers: ClinVar variation 649220 (VCV000649220.6), dbSNP rs1570588220, ClinGen allele CA915941207.